The following is an entry in ClinVar:

NM_152468.5(TMC8):c.1517C>T (p.Thr506Ile)

Genes: TMC8 (transmembrane channel like 8; plus strand), LOC130061795 (ATAC-STARR-seq lymphoblastoid active region 12864; plus strand). Cytogenetic location: 17q25.3.
Variant type: single nucleotide variant.
Coding change: c.1517C>T on transcript NM_152468.5 (MANE Select); coding-DNA position 1517, C replaced by T.
Protein change: p.Thr506Ile; replaces threonine 506 with isoleucine.
Molecular consequence: missense variant.
Genome position (GRCh38, 1-based): chr17:78,138,172, C>T. VCF-style: chr17-78138172-C-T. GRCh37 (hg19) VCF-style: chr17-76134253-C-T.
Other names: short protein forms T506I.
Identifiers: ClinVar variation 1385593 (VCV001385593.3), dbSNP rs780544042, ClinGen allele CA8796889.
Genomic context (GRCh38, chr17:78,138,172, plus strand): 5'-GGATGGGCCTCTTCTACTGCCCCCTGCTGCCCCTGCTGAATAGCGTCTTCCTCTTCCTCA[C>T]CTTCTACATCAAGAAGGTGACGGCTCATGGCTGGGGGGTATGGGGTTCGTGCCTCTGGGT-3'
Protein context (NP_689681.2, residues 496-516): PLLNSVFLFL[Thr506Ile]FYIKKYTLLK

ClinVar aggregate classification (germline): Uncertain significance (1 of 4 stars; one submission).

Conditions:
Epidermodysplasia verruciformis. Identifiers: Orphanet 302, MedGen C0014522, MONDO:0009176.

Allele frequency attached by ClinVar (database versions not stated): gnomAD exomes below 0.00001 and 0.00001; TOPMed below 0.00001; ExAC 0.00001.
gnomAD v4.1: 2 of 1,613,846 alleles (0.00012%); highest among the groups gnomAD compares: Admixed American, 0.0033%; no homozygotes.

Submission:

Labcorp Genetics (formerly Invitae), Labcorp
Classification: Uncertain significance for Epidermodysplasia verruciformis. Last evaluated: 2022-01-28. Review status: criteria provided, single submitter. Criteria: Invitae Variant Classification Sherloc (09022015). Collection method: clinical testing. Allele origin: germline.
Comment: This sequence change replaces threonine, which is neutral and polar, with isoleucine, which is neutral and non-polar, at codon 506 of the TMC8 protein (p.Thr506Ile). This variant is present in population databases (rs780544042, gnomAD 0.006%). This variant has not been reported in the literature in individuals affected with TMC8-related conditions. Algorithms developed to predict the effect of missense changes on protein structure and function are either unavailable or do not agree on the potential impact of this missense change (SIFT: "Tolerated"; PolyPhen-2: "Probably Damaging"; Align-GVGD: "Class C0"). In summary, the available evidence is currently insufficient to determine the role of this variant in disease. Therefore, it has been classified as a Variant of Uncertain Significance.